The following is an entry in ClinVar:

NM_144666.3(DNHD1):c.1323C>T (p.Ala441=)

Gene: DNHD1 (dynein heavy chain domain 1; plus strand). Cytogenetic location: 11p15.4.
Variant type: single nucleotide variant.
Coding change: c.1323C>T on transcript NM_144666.3 (MANE Select); coding-DNA position 1323, C replaced by T.
Protein change: p.Ala441=; no amino-acid change (alanine 441 retained).
Molecular consequence: synonymous variant.
Genome position (GRCh38, 1-based): chr11:6,511,360, C>T. VCF-style: chr11-6511360-C-T. GRCh37 (hg19) VCF-style: chr11-6532590-C-T.
Other names: c.1323C>T, p.Ala441= (NM_173589.4).
Identifiers: ClinVar variation 719539 (VCV000719539.7), dbSNP rs149380422, ClinGen allele CA5855551.
Genomic context (GRCh38, chr11:6,511,360, plus strand): 5'-CTGGCTACCCCAGGAACTGGATCGGTGCTATGAGCTGCTGGACCTGCAGACGGCTCTAGC[C>T]GAGGAGAAGCATAAGGCTCTACGGCTGCTCCATCGTTGCCTAAACCTCTGCACATCCATT-3'
Protein context (NP_653267.2, residues 431-451): YELLDLQTAL[Ala441=]EEKHKALRLL

ClinVar aggregate classification (germline): Benign. Review status: criteria provided, multiple submitters, no conflicts (2 of 4 stars). 3 submissions from 3 submitters: Benign (2). 1 of the submissions does not count toward it. Last evaluated 2019-12-31.

Conditions:
DNHD1-related disorder. Also called: DNHD1-related condition.

Allele frequency attached by ClinVar (database versions not stated): ExAC 0.00133; gnomAD 0.00376; ESP Exome Variant Server 0.00385; TOPMed 0.00466; 1000 Genomes Project 0.00559; 1000 Genomes Project 30x 0.00609.
gnomAD v4.1: 1,171 of 1,614,220 alleles (0.073%); highest among the groups gnomAD compares: African/African-American, 1.4%; 9 homozygotes.

Submissions (3):

Labcorp Genetics (formerly Invitae), Labcorp
Classification: Benign. Last evaluated: 2019-12-31. Review status: criteria provided, single submitter. Criteria: Invitae Variant Classification Sherloc (09022015). Collection method: clinical testing. Allele origin: germline.

Breakthrough Genomics
Classification: Benign. Review status: criteria provided, single submitter. Criteria: ACMG Guidelines, 2015. Collection method: not provided. Allele origin: germline. Inheritance: Autosomal recessive inheritance. Affected: yes.

PreventionGenetics, part of Exact Sciences
Classification: Benign for DNHD1-related condition. Last evaluated: 2019-06-21. Review status: no assertion criteria provided. Collection method: clinical testing. Allele origin: germline. Not counted in ClinVar's aggregate classification.
Comment: This variant is classified as benign based on ACMG/AMP sequence variant interpretation guidelines (Richards et al. 2015 PMID: 25741868, with internal and published modifications).